The following is an entry in ClinVar:

ClinVar aggregate classification (germline): Pathogenic. Review status: criteria provided, single submitter (1 of 4 stars). 2 submissions from 2 submitters: Pathogenic (1). 1 of the submissions does not count toward it. Last evaluated 2022-08-21.

Conditions:
BBS9-related disorder. Also called: BBS9-related condition.
Bardet-Biedl syndrome (BBS). Identifiers: Orphanet 110, MedGen C0752166, MONDO:0015229.

Allele frequency attached by ClinVar (database versions not stated): ExAC 0.00001; gnomAD 0.00001.

Submissions (2):

Labcorp Genetics (formerly Invitae), Labcorp
Classification: Pathogenic for Bardet-Biedl syndrome. Last evaluated: 2022-08-21. Review status: criteria provided, single submitter. Criteria: Invitae Variant Classification Sherloc (09022015). Collection method: clinical testing. Allele origin: germline.
Comment: For these reasons, this variant has been classified as Pathogenic. This variant has not been reported in the literature in individuals affected with BBS9-related conditions. This variant is not present in population databases (gnomAD no frequency). This sequence change creates a premature translational stop signal (p.Met280Ilefs*5) in the BBS9 gene. It is expected to result in an absent or disrupted protein product. Loss-of-function variants in BBS9 are known to be pathogenic (PMID: 16380913, 20177705).

PreventionGenetics, part of Exact Sciences
Classification: Pathogenic for BBS9-related condition. Last evaluated: 2024-02-09. Review status: no assertion criteria provided. Collection method: clinical testing. Allele origin: germline. Not counted in ClinVar's aggregate classification.
Comment: The BBS9 c.839dupT variant is predicted to result in a frameshift and premature protein termination (p.Met280Ilefs*5). To our knowledge, this variant has not been reported in the literature or in a large population database, indicating this variant is rare. Frameshift variants in BBS9 are expected to be pathogenic. This variant is interpreted as pathogenic.

Literature cited by the submitters: PubMed 16380913 (cited by Labcorp Genetics (formerly Invitae), Labcorp); PubMed 20177705 (cited by Labcorp Genetics (formerly Invitae), Labcorp).

NM_198428.3(BBS9):c.839dup (p.Met280fs)

Gene: BBS9 (Bardet-Biedl syndrome 9; plus strand). Cytogenetic location: 7p14.3.
Variant type: Duplication.
Coding change: c.839dup on transcript NM_198428.3 (MANE Select); coding-DNA position 839, one base duplicated (T; older notation c.839dupT).
Protein change: p.Met280fs; shifts the reading frame from methionine 280.
Molecular consequence: frameshift variant. On other transcripts: non-coding transcript variant (3).
Genome position (GRCh38, 1-based): chr7:33,273,148, T duplicated. VCF-style (leftmost placement, unchanged base first): chr7-33273147-A-AT. GRCh37 (hg19) VCF-style: chr7-33312759-A-AT.
Other names: c.839dup, p.Met280fs (NM_001033604.2, NM_001033605.2, NM_001348036.1 and 5 more transcripts); c.473dup, p.Met158fs (NM_001348037.3, NM_001348044.3, NM_001348045.3 and 1 more transcripts); c.566dup, p.Met189fs (NM_001348038.3, NM_001348039.3); c.704dup, p.Met235fs (NM_001348042.3); c.839dup, p.Met280Ilefs (NM_001412127.2, NM_001412128.2); c.839dupT (NM_198428.2); short protein forms M280fs, M158fs, M189fs, M235fs.
Identifiers: ClinVar variation 1899278 (VCV001899278.7), dbSNP rs749783672, ClinGen allele CA4214120.